The following is an entry in ClinVar:

NM_005629.4(SLC6A8):c.1017-4_1023dup

Gene: SLC6A8 (solute carrier family 6 member 8; plus strand). Cytogenetic location: Xq28.
Variant type: Duplication.
Coding change: c.1017-4_1023dup on transcript NM_005629.4 (MANE Select); 4 bases into the intron before coding-DNA position 1017 through coding-DNA position 1023, 11 bases duplicated (TCAGGGACGCC).
Molecular consequence: splice acceptor variant. On other transcripts: intron variant (1).
Genome position (GRCh38, 1-based): chrX:153,693,458-153,693,468, TCAGGGACGCC duplicated; duplicating any 11 consecutive bases within chrX:153,693,456-153,693,468 gives the same sequence; the c. name uses the placement nearest the transcript's 3' end. VCF-style (leftmost placement, unchanged base first): chrX-153693455-C-CCCTCAGGGACG. GRCh37 (hg19) VCF-style: chrX-152958910-C-CCCTCAGGGACG.
Other names: c.1017-34_1017-24dup (NM_001142805.2); c.672-4_678dup (NM_001142806.1).
Identifiers: ClinVar variation 966943 (VCV000966943.8), dbSNP rs2091469083, ClinGen allele CA1139667844.

ClinVar aggregate classification (germline): Uncertain significance (1 of 4 stars; one submission).

Conditions:
Creatine transporter deficiency (CCDS1). Also called: Creatine Transporter (CRTR) Deficiency; Mental retardation , X-linked with seizures, short stature and midface hypoplasia; Mental retardation , X-linked, with creatine transport deficiency; X-linked creatine transporter deficiency; X-linked creatine deficiency syndrome; SLC6A8-Related Creatine Transporter Deficiency. Identifiers: Orphanet 52503, MedGen C1845862, MONDO:0010305, OMIM 300352.

Submission:

Labcorp Genetics (formerly Invitae), Labcorp
Classification: Uncertain significance for Creatine transporter deficiency. Last evaluated: 2019-08-26. Review status: criteria provided, single submitter. Criteria: Invitae Variant Classification Sherloc (09022015). Collection method: clinical testing. Allele origin: germline.
Comment: In summary, the available evidence is currently insufficient to determine the role of this variant in disease. Therefore, it has been classified as a Variant of Uncertain Significance. This sequence change falls in intron 6 of the SLC6A8 gene. It does not directly change the encoded amino acid sequence of the SLC6A8 protein. This variant is not present in population databases (ExAC no frequency). This variant has not been reported in the literature in individuals with SLC6A8-related conditions. Algorithms developed to predict the effect of sequence changes on RNA splicing suggest that this variant may disrupt the consensus splice site, but this prediction has not been confirmed by published transcriptional studies.